The following is an entry in ClinVar:

NM_024105.4(ALG12):c.619G>T (p.Val207Phe)

Gene: ALG12 (ALG12 alpha-1,6-mannosyltransferase; minus strand). Cytogenetic location: 22q13.33.
Variant type: single nucleotide variant.
Coding change: c.619G>T on transcript NM_024105.4 (MANE Select); coding-DNA position 619, G replaced by T.
Protein change: p.Val207Phe; replaces valine 207 with phenylalanine.
Molecular consequence: missense variant.
Genome position (GRCh38, 1-based): chr22:49,909,939, C>A on the plus strand (G>T on the coding strand, the complement: ALG12 is on the minus strand). VCF-style: chr22-49909939-C-A. GRCh37 (hg19) VCF-style: chr22-50303587-C-A.
Other names: short protein forms V207F.
Identifiers: ClinVar variation 2062229 (VCV002062229.4), dbSNP rs1364895453, ClinGen allele CA412074928.

ClinVar aggregate classification (germline): Uncertain significance (1 of 4 stars; one submission).

Conditions:
ALG12-congenital disorder of glycosylation (CDG1G). Also called: Congenital disorder of glycosylation, type Ig; CDG Ig; ALG12-CDG. Identifiers: Orphanet 79324, MedGen C2931001, MONDO:0011783, OMIM 607143.

Submission:

Labcorp Genetics (formerly Invitae), Labcorp
Classification: Uncertain significance for ALG12-congenital disorder of glycosylation. Last evaluated: 2023-08-17. Review status: criteria provided, single submitter. Criteria: Invitae Variant Classification Sherloc (09022015). Collection method: clinical testing. Allele origin: germline.
Comment: In summary, the available evidence is currently insufficient to determine the role of this variant in disease. Therefore, it has been classified as a Variant of Uncertain Significance. Advanced modeling of protein sequence and biophysical properties (such as structural, functional, and spatial information, amino acid conservation, physicochemical variation, residue mobility, and thermodynamic stability) performed at Invitae indicates that this missense variant is not expected to disrupt ALG12 protein function. ClinVar contains an entry for this variant (Variation ID: 2062229). This variant has not been reported in the literature in individuals affected with ALG12-related conditions. This variant is not present in population databases (gnomAD no frequency). This sequence change replaces valine, which is neutral and non-polar, with phenylalanine, which is neutral and non-polar, at codon 207 of the ALG12 protein (p.Val207Phe).